The following continues an entry in ClinVar:

NM_000038.6(APC):c.1690C>T (p.Arg564Ter)

Gene: APC. ClinVar aggregate classification (germline): Pathogenic. Pathogenic (15). ClinVar aggregate classification (oncogenicity): Oncogenic.

Submissions 10 to 21 of 21:

Neuberg Centre For Genomic Medicine, NCGM
Classification: Pathogenic for Familial adenomatous polyposis 1. Last evaluated: 2023-03-01. Review status: criteria provided, single submitter. Criteria: ACMG Guidelines, 2015. Collection method: clinical testing. Allele origin: germline. Inheritance: Autosomal dominant inheritance. Affected: yes.
Comment: The stop gained c.1690C>T (p.Arg564Ter) variant in APC gene has been reported in heterozygous state in multiple individuals affected with adenomatous polyposis (Papp J et al. 2016; Nilbert M et al. 2008; Friedl W et al. 2005). The p.Arg564Ter variant is novel (not in any individuals) in gnomAD Exomes and 1000 Genomes. This variant has been reported to the ClinVar database as Pathogenic (multiple submitters). The nucleotide change c.1690C>T in APC is predicted as conserved by GERP++ and PhyloP across 100 vertebrates.This variant is predicted to cause loss of normal protein function through protein truncation. Loss of function variants have been previously reported to be disease causing. For these reasons, this variant has been classified as Pathogenic.

GeneDx
Classification: Pathogenic. Last evaluated: 2021-12-20. Review status: criteria provided, single submitter. Criteria: GeneDx Variant Classification Process June 2021. Collection method: clinical testing. Allele origin: germline. Affected: yes.
Comment: Nonsense variant predicted to result in protein truncation or nonsense mediated decay in a gene for which loss-of-function is a known mechanism of disease; Not observed in large population cohorts (Lek 2016); Observed in individuals with a personal and/or family history consistent with pathogenic variants in this gene including a de novo observation with confirmed parentage in a patient with polyposis (Mihalatos 2003, Aretz 2004, Friedl 2005, Papp 2015); This variant is associated with the following publications: (PMID: 12894596, 20685668, 9101302, 27087319, 26446593, 19036155, 20223039, 1324223, 25525159, 27574554, 14523376, 12581900, 8187091, 31243121, 29506128, 28179590, 8381580)

Color Diagnostics, LLC DBA Color Health
Classification: Pathogenic for Hereditary cancer-predisposing syndrome. Last evaluated: 2021-03-23. Review status: criteria provided, single submitter. Criteria: ACMG Guidelines, 2015. Collection method: clinical testing. Allele origin: germline.
Comment: This variant changes 1 nucleotide in exon 14 of the APC gene, creating a premature translation stop signal. This variant is expected to result in an absent or non-functional protein product. To our knowledge, functional studies have not been reported for this variant. This variant has been reported in individuals affected with familial adenomatous polyposis (PMID: 8990002, 10077047, 12581900, 16478792, 19036155, 19444466, 19793053, 20223039, 20685668, 23159591, 26446593) or affected with colorectal cancer (PMID: 25590978). This variant has not been identified in the general population by the Genome Aggregation Database (gnomAD). Loss of APC function is a known mechanism of disease. Based on the available evidence, this variant is classified as Pathogenic.

Laboratory for Molecular Medicine, Mass General Brigham Personalized Medicine
Classification: Pathogenic for Familial multiple polyposis syndrome. Last evaluated: 2019-11-06. Review status: criteria provided, single submitter. Criteria: LMM Criteria. Collection method: clinical testing. Allele origin: germline. Inheritance: Autosomal dominant inheritance. Observed: 2 variant alleles.
Comment: The p.Arg564X variant in APC has been reported in >25 individuals with FAP (Fodde 1992, Miyaki 1994, Aretz 2004, Mihalatos 2005, Friedl 2005, Lagarde 2010, and InSiGHT Colon Cancer database) and was absent from large population studies. This variant has also been reported by other clinical laboratories in ClinVar (Variant ID: 808). This nonsense variant leads to a premature termination codon at position 564, which is predicted to lead to a truncated or absent protein. Loss of function of the APC gene is an established disease mechanism in autosomal dominant familial adenomatous polyposis (FAP). In summary, this variant meets criteria to be classified as pathogenic for autosomal dominant FAP. ACMG/AMP criteria applied: PVS1, PM2, PS4.

Women's Health and Genetics/Laboratory Corporation of America, LabCorp
Classification: Pathogenic for Familial adenomatous polyposis. Last evaluated: 2019-02-08. Review status: criteria provided, single submitter. Criteria: LabCorp Variant Classification Summary - May 2015. Collection method: clinical testing. Allele origin: germline.
Comment: Variant summary: APC c.1690C>T (p.Arg564X) results in a premature termination codon, predicted to cause a truncation of the encoded protein or absence of the protein due to nonsense mediated decay, which are commonly known mechanisms for disease. The variant was absent in 246076 control chromosomes (gnomAD). c.1690C>T has been reported in the literature in multiple individuals affected with Familial Adenomatous Polyposis (Friedl_2005, Aretz_2004, Olschwang_1993). These data indicate that the variant is very likely to be associated with disease. Three ClinVar submissions from clinical diagnostic laboratories (evaluation after 2014) cite the variant as pathogenic. Based on the evidence outlined above, the variant was classified as pathogenic.

Quest Diagnostics Nichols Institute San Juan Capistrano
Classification: Pathogenic. Last evaluated: 2015-11-17. Review status: criteria provided, single submitter. Criteria: Quest Diagnostics criteria. Collection method: clinical testing. Allele origin: germline.

Juno Genomics, Hangzhou Juno Genomics, Inc
Classification: Pathogenic for Familial adenomatous polyposis 1; Colorectal cancer; Desmoid disease, hereditary; Gastric adenocarcinoma and proximal polyposis of the stomach; Gastric cancer; Hepatocellular carcinoma. Review status: criteria provided, single submitter. Criteria: ACMG Guidelines, 2015. Collection method: clinical testing. Allele origin: germline.
Comment: Absent from controls (or at extremely low frequency if recessive) in Genome Aggregation Database.;Null variant in a gene where loss of function (LOF) is a known mechanism of disease.;The prevalence of the variant in affected individuals is significantly increased compared to the prevalence in controls.

OMIM
Classification: Pathogenic for FAMILIAL ADENOMATOUS POLYPOSIS 1. Last evaluated: 1992-08-01. Review status: no assertion criteria provided. Collection method: literature only. Allele origin: germline. Not counted in ClinVar's aggregate classification.

Department of Pathology and Laboratory Medicine, Sinai Health System
Classification: Uncertain significance. Review status: no assertion criteria provided. Collection method: clinical testing. Allele origin: unknown. Affected: yes. Observed: 2 variant alleles. Study: The Canadian Open Genetics Repository (COGR). Not counted in ClinVar's aggregate classification.

Joint Genome Diagnostic Labs from Nijmegen and Maastricht, Radboudumc and MUMC+
Classification: Pathogenic. Review status: no assertion criteria provided. Collection method: clinical testing. Allele origin: germline. Affected: yes. Study: VKGL Data-share Consensus. Not counted in ClinVar's aggregate classification.

Laboratory of Diagnostic Genome Analysis, Leiden University Medical Center (LUMC)
Classification: Pathogenic. Review status: no assertion criteria provided. Collection method: clinical testing. Allele origin: germline. Affected: yes. Study: VKGL Data-share Consensus. Not counted in ClinVar's aggregate classification.

Mayo Clinic Laboratories, Mayo Clinic
Classification: Pathogenic. Review status: no assertion criteria provided. Collection method: clinical testing. Allele origin: unknown. Not counted in ClinVar's aggregate classification.

Literature cited by the submitters: PubMed 34352208 (cited by Center for Genomic Medicine, Rigshospitalet, Copenhagen University Hospital); PubMed 28179481 (cited by Center for Genomic Medicine, Rigshospitalet, Copenhagen University Hospital); PubMed 17963004 (cited by Labcorp Genetics (formerly Invitae), Labcorp); PubMed 20685668 (cited by Labcorp Genetics (formerly Invitae), Labcorp and Laboratory for Molecular Medicine, Mass General Brigham Personalized Medicine); PubMed 1324223 (cited by 3 submitters); PubMed 15833136 (cited by 3 submitters); PubMed 19036155 (cited by 3 submitters); PubMed 20223039 (cited by 4 submitters); PubMed 26446593 (cited by 4 submitters); PubMed 27574554 (cited by Ambry Genetics); PubMed 19444466 (cited by All of Us Research Program, National Institutes of Health); PubMed 23159591 (cited by All of Us Research Program, National Institutes of Health); PubMed 31591141 (cited by All of Us Research Program, National Institutes of Health); PubMed 33279946 (cited by All of Us Research Program, National Institutes of Health); PubMed 33359728 (cited by All of Us Research Program, National Institutes of Health and Institute for Genomic Medicine (IGM) Clinical Laboratory, Nationwide Children's Hospital); PubMed 33769591 (cited by All of Us Research Program, National Institutes of Health); PubMed 35189564 (cited by Institute for Genomic Medicine (IGM) Clinical Laboratory, Nationwide Children's Hospital); PubMed 35296888 (cited by Institute for Genomic Medicine (IGM) Clinical Laboratory, Nationwide Children's Hospital); PubMed 36113625 (cited by Institute for Genomic Medicine (IGM) Clinical Laboratory, Nationwide Children's Hospital); PubMed 37323311 (cited by Institute for Genomic Medicine (IGM) Clinical Laboratory, Nationwide Children's Hospital); PubMed 8187091 (cited by Laboratory for Molecular Medicine, Mass General Brigham Personalized Medicine); PubMed 14523376 (cited by Laboratory for Molecular Medicine, Mass General Brigham Personalized Medicine and Women's Health and Genetics/Laboratory Corporation of America, LabCorp); PubMed 8381580 (cited by Women's Health and Genetics/Laboratory Corporation of America, LabCorp).